The following is an entry in ClinVar:

ClinVar aggregate classification (germline): Uncertain significance (1 of 4 stars; one submission).

Conditions:
Cardiovascular phenotype. Identifiers: MedGen CN230736.

Submission:

Ambry Genetics
Classification: Uncertain significance for Cardiovascular phenotype. Last evaluated: 2025-09-20. Review status: criteria provided, single submitter. Criteria: Ambry Variant Classification Scheme 2023. Collection method: clinical testing. Allele origin: germline.
Comment: The p.G297R variant (also known as c.889G>A), located in coding exon 7 of the SPRED1 gene, results from a G to A substitution at nucleotide position 889. The glycine at codon 297 is replaced by arginine, an amino acid with dissimilar properties. This amino acid position is conserved. In addition, this alteration is predicted to be tolerated by in silico analysis. Based on the available evidence, the clinical significance of this variant remains unclear.

NM_152594.3(SPRED1):c.889G>A (p.Gly297Arg)

Gene: SPRED1 (sprouty related EVH1 domain containing 1; plus strand). Cytogenetic location: 15q14.
Variant type: single nucleotide variant.
Coding change: c.889G>A on transcript NM_152594.3 (MANE Select); coding-DNA position 889, G replaced by A.
Protein change: p.Gly297Arg; replaces glycine 297 with arginine.
Molecular consequence: missense variant.
Genome position (GRCh38, 1-based): chr15:38,351,218, G>A. VCF-style: chr15-38351218-G-A. GRCh37 (hg19) VCF-style: chr15-38643419-G-A.
Other names: short protein forms G297R.
Identifiers: ClinVar variation 4615007 (VCV004615007.1).